The following is an entry in ClinVar:

ClinVar aggregate classification (germline): Likely pathogenic (1 of 4 stars; one submission).

Submission:

Labcorp Genetics (formerly Invitae), Labcorp
Classification: Likely pathogenic. Last evaluated: 2021-10-09. Review status: criteria provided, single submitter. Criteria: Invitae Variant Classification Sherloc (09022015). Collection method: clinical testing. Allele origin: germline.
Comment: This variant disrupts the p.Gly212 amino acid residue in SLC12A3. Other variant(s) that disrupt this residue have been determined to be pathogenic (PMID: 27216017, 30413979). This suggests that this residue is clinically significant, and that variants that disrupt this residue are likely to be disease-causing. Advanced modeling of protein sequence and biophysical properties (such as structural, functional, and spatial information, amino acid conservation, physicochemical variation, residue mobility, and thermodynamic stability) performed at Invitae indicates that this missense variant is expected to disrupt SLC12A3 protein function. This variant has not been reported in the literature in individuals affected with SLC12A3-related conditions. This variant is not present in population databases (ExAC no frequency). This sequence change replaces glycine with valine at codon 212 of the SLC12A3 protein (p.Gly212Val). The glycine residue is highly conserved and there is a moderate physicochemical difference between glycine and valine. In summary, the currently available evidence indicates that the variant is pathogenic, but additional data are needed to prove that conclusively. Therefore, this variant has been classified as Likely Pathogenic.

Literature cited by the submitters: PubMed 27216017; PubMed 30413979.

NM_001126108.2(SLC12A3):c.635G>T (p.Gly212Val)

Gene: SLC12A3 (solute carrier family 12 member 3; plus strand). Cytogenetic location: 16q13.
Variant type: single nucleotide variant.
Coding change: c.635G>T on transcript NM_001126108.2 (MANE Select); coding-DNA position 635, G replaced by T.
Protein change: p.Gly212Val; replaces glycine 212 with valine.
Molecular consequence: missense variant.
Genome position (GRCh38, 1-based): chr16:56,870,129, G>T. VCF-style: chr16-56870129-G-T. GRCh37 (hg19) VCF-style: chr16-56904041-G-T.
Other names: c.635G>T, p.Gly212Val (NM_000339.3); c.632G>T, p.Gly211Val (NM_001126107.2); short protein forms G211V, G212V.
Identifiers: ClinVar variation 1521732 (VCV001521732.6), dbSNP rs1202006117, ClinGen allele CA395981649.